The following is an entry in ClinVar:

NM_000257.4(MYH7):c.2260A>C (p.Asn754His)

Gene: MYH7 (myosin heavy chain 7; minus strand). Cytogenetic location: 14q11.2.
Variant type: single nucleotide variant.
Coding change: c.2260A>C on transcript NM_000257.4 (MANE Select); coding-DNA position 2260, A replaced by C.
Protein change: p.Asn754His; replaces asparagine 754 with histidine.
Molecular consequence: missense variant.
Genome position (GRCh38, 1-based): chr14:23,425,721, T>G on the plus strand (A>C on the coding strand, the complement: MYH7 is on the minus strand). VCF-style: chr14-23425721-T-G. GRCh37 (hg19) VCF-style: chr14-23894930-T-G.
Other names: c.2260A>C, p.Asn754His (NM_001407004.1); short protein forms N754H.
Identifiers: ClinVar variation 1788620 (VCV001788620.6), dbSNP rs1222933849, ClinGen allele CA389048801.

ClinVar aggregate classification (germline): Uncertain significance. Review status: criteria provided, multiple submitters, no conflicts (2 of 4 stars). 3 submissions from 3 submitters: Uncertain significance (3). Last evaluated 2025-08-13.

Conditions:
Cardiovascular phenotype. Identifiers: MedGen CN230736.
Hypertrophic cardiomyopathy. Also called: HYPERTROPHIC MYOCARDIOPATHY. Identifiers: Orphanet 217569, MedGen C0007194, MeSH D002312, MONDO:0005045, HP:0001639.
Cardiomyopathy (CMYO). Also called: Cardiomyopathies. Identifiers: Orphanet 167848, MedGen C0878544, MONDO:0004994, HP:0001638. Inheritance: Various modes of inheritance.

Submissions (3):

Labcorp Genetics (formerly Invitae), Labcorp
Classification: Uncertain significance for Hypertrophic cardiomyopathy. Last evaluated: 2025-08-13. Review status: criteria provided, single submitter. Criteria: Invitae Variant Classification Sherloc (09022015). Collection method: clinical testing. Allele origin: germline.
Comment: This sequence change replaces asparagine, which is neutral and polar, with histidine, which is basic and polar, at codon 754 of the MYH7 protein (p.Asn754His). This variant is present in population databases (no rsID available, gnomAD 0.0009%). This variant has not been reported in the literature in individuals affected with MYH7-related conditions. ClinVar contains an entry for this variant (Variation ID: 1788620). Invitae Evidence Modeling of protein sequence and biophysical properties (such as structural, functional, and spatial information, amino acid conservation, physicochemical variation, residue mobility, and thermodynamic stability) indicates that this missense variant is expected to disrupt MYH7 protein function with a positive predictive value of 95%. In summary, the available evidence is currently insufficient to determine the role of this variant in disease. Therefore, it has been classified as a Variant of Uncertain Significance.

All of Us Research Program, National Institutes of Health
Classification: Uncertain significance for Cardiomyopathy. Last evaluated: 2024-01-03. Review status: criteria provided, single submitter. Criteria: ACMG Guidelines, 2015. Collection method: clinical testing. Allele origin: germline. Inheritance: Autosomal dominant inheritance. Observed: 1 variant allele, 1 heterozygote.
Comment: This missense variant replaces asparagine with histidine at codon 754 of the MYH7 protein. Computational prediction tool indicates that this variant may have an uncertain impact on protein structure and function. To our knowledge, functional studies have not been reported for this variant. This variant has not been reported in individuals affected with MYH7-related disorders in the literature. This variant has been identified in 1/251180 chromosomes in the general population by the Genome Aggregation Database (gnomAD). The available evidence is insufficient to determine the role of this variant in disease conclusively. Therefore, this variant is classified as a Variant of Uncertain Significance.

This study involves interpretation of variants in research participants for the purpose of population health screening. Participant phenotype was not available at the time of variant classification. Additional details can be found in publication PMID: 35346344, PMCID: PMC8962531

Ambry Genetics
Classification: Uncertain significance for Cardiovascular phenotype. Last evaluated: 2021-06-22. Review status: criteria provided, single submitter. Criteria: Ambry Variant Classification Scheme 2023. Collection method: clinical testing. Allele origin: germline.
Comment: The p.N754H variant (also known as c.2260A>C), located in coding exon 18 of the MYH7 gene, results from an A to C substitution at nucleotide position 2260. The asparagine at codon 754 is replaced by histidine, an amino acid with similar properties. This amino acid position is conserved. In addition, the in silico prediction for this alteration is inconclusive. Since supporting evidence is limited at this time, the clinical significance of this alteration remains unclear.